The following is an entry in ClinVar:

ClinVar aggregate classification (germline): Likely benign (1 of 4 stars; one submission).

Submission:

GeneDx
Classification: Likely benign. Last evaluated: 2016-08-03. Review status: criteria provided, single submitter. Criteria: GeneDx Variant Classification (06012015). Collection method: clinical testing. Allele origin: germline. Affected: yes.
Comment: This variant is considered likely benign or benign based on one or more of the following criteria: it is a conservative change, it occurs at a poorly conserved position in the protein, it is predicted to be benign by multiple in silico algorithms, and/or has population frequency not consistent with disease.

NM_130839.5(UBE3A):c.361+18C>G

Genes: SNHG14 (small nucleolar RNA host gene 14; plus strand), UBE3A (ubiquitin protein ligase E3A; minus strand). Cytogenetic location: 15q11.2.
Variant type: single nucleotide variant.
Coding change: c.361+18C>G on transcript NM_130839.5 (MANE Select); 18 bases into the intron after coding-DNA position 361, C replaced by G.
Molecular consequence: intron variant.
Genome position (GRCh38, 1-based): chr15:25,375,447, G>C on the plus strand (C>G on the coding strand, the complement: UBE3A is on the minus strand). VCF-style: chr15-25375447-G-C. GRCh37 (hg19) VCF-style: chr15-25620594-G-C.
Other names: c.361+18C>G (NM_001354550.2, NM_001354545.2, NM_001354538.2 and 1 more transcripts); c.301+18C>G (NM_001354523.2, NM_001354539.2, NM_001354511.2 and 18 more transcripts); c.370+18C>G (NM_000462.5); c.184+18C>G (NM_001354546.2).
Identifiers: ClinVar variation 388225 (VCV000388225.1), dbSNP rs773112531, ClinGen allele CA16606647.
Genomic context (GRCh38, chr15:25,375,447, plus strand): 5'-ACAAATAAAAACTAATACATTTAAATCTCCCACATGGTTTTCAGGCAACAATTCTCAATT[G>C]AAAATAAAACATCTTACCTTTAAAATCAATTCTAGCGCCTTTCTTGTTCATTTTTATCTC-3'